The following is an entry in ClinVar:

NM_000368.5(TSC1):c.2476C>T (p.Leu826=)

Gene: TSC1 (TSC complex subunit 1; minus strand). Cytogenetic location: 9q34.13.
Variant type: single nucleotide variant.
Coding change: c.2476C>T on transcript NM_000368.5 (MANE Select); coding-DNA position 2476, C replaced by T.
Protein change: p.Leu826=; no amino-acid change (leucine 826 retained).
Molecular consequence: synonymous variant. On other transcripts: non-coding transcript variant (5), intron variant (8).
Genome position (GRCh38, 1-based): chr9:132,901,615, G>A on the plus strand (C>T on the coding strand, the complement: TSC1 is on the minus strand). VCF-style: chr9-132901615-G-A. GRCh37 (hg19) VCF-style: chr9-135777002-G-A.
Other names: c.2473C>T, p.Leu825= (NM_001162426.2, NM_001406597.1, NM_001406598.1 and 2 more transcripts); c.2323C>T, p.Leu775= (NM_001162427.2, NM_001406610.1); c.2113C>T, p.Leu705= (NM_001362177.2, NM_001406614.1, NM_001406615.1 and 4 more transcripts); c.2476C>T, p.Leu826= (NM_001406592.1, NM_001406593.1, NM_001406594.1 and 2 more transcripts); c.2461C>T, p.Leu821= (NM_001406601.1, NM_001406602.1); c.2458C>T, p.Leu820= (NM_001406603.1, NM_001406604.1); c.2320C>T, p.Leu774= (NM_001406611.1, NM_001406612.1); c.2110C>T, p.Leu704= (NM_001406620.1, NM_001406621.1, NM_001406622.1 and 1 more transcripts); and 8 more.
Identifiers: ClinVar variation 4071351 (VCV004071351.1).

ClinVar aggregate classification (germline): Benign (1 of 4 stars; one submission).

Conditions:
Tuberous sclerosis 1 (TSC1). Identifiers: Orphanet 805, MedGen C1854465, MONDO:0008612, OMIM 191100.

gnomAD v4.1: 1 of 1,614,108 alleles (0.000062%); highest among the groups gnomAD compares: South Asian, 0.0011%; no homozygotes.

Submission:

Myriad Genetics, Inc.
Classification: Benign for Tuberous sclerosis 1. Last evaluated: 2025-04-25. Review status: criteria provided, single submitter. Criteria: Myriad Autosomal Dominant, Autosomal Recessive and X-Linked Classification Criteria (2023). Collection method: clinical testing. Allele origin: unknown.
Comment: This variant is considered benign. This variant is a silent/synonymous amino acid change and it is not expected to impact splicing.